The following is an entry in ClinVar:

NM_001039141.3(TRIOBP):c.5769G>A (p.Ala1923=)

Gene: TRIOBP (TRIO and F-actin binding protein; plus strand). Cytogenetic location: 22q13.1.
Variant type: single nucleotide variant.
Coding change: c.5769G>A on transcript NM_001039141.3 (MANE Select); coding-DNA position 5769, G replaced by A.
Protein change: p.Ala1923=; no amino-acid change (alanine 1923 retained).
Molecular consequence: synonymous variant.
Genome position (GRCh38, 1-based): chr22:37,757,694, G>A. VCF-style: chr22-37757694-G-A. GRCh37 (hg19) VCF-style: chr22-38153701-G-A.
Other names: c.630G>A, p.Ala210= (NM_007032.5, NM_138632.2); c.5769G>A (NM_001039141.2).
Identifiers: ClinVar variation 1463093 (VCV001463093.12), dbSNP rs140302221, ClinGen allele CA10224811.

ClinVar aggregate classification (germline): Likely benign. Review status: criteria provided, multiple submitters, no conflicts (2 of 4 stars). 4 submissions from 4 submitters: Likely benign (3). 1 of the submissions does not count toward it. Last evaluated 2025-08-02.

Conditions:
TRIOBP-related disorder. Also called: TRIOBP-related condition.

Allele frequency attached by ClinVar (database versions not stated): gnomAD exomes 0.00013 and 0.00014; gnomAD 0.00014 and 0.00018; 1000 Genomes Project 30x 0.00016; TOPMed 0.00018; 1000 Genomes Project 0.00020; ESP Exome Variant Server 0.00023; ExAC 0.00036.
gnomAD v4.1: 216 of 1,584,018 alleles (0.014%); highest among the groups gnomAD compares: Middle Eastern, 0.05%; no homozygotes.

Submissions (4):

Labcorp Genetics (formerly Invitae), Labcorp
Classification: Likely benign. Last evaluated: 2025-08-02. Review status: criteria provided, single submitter. Criteria: Invitae Variant Classification Sherloc (09022015). Collection method: clinical testing. Allele origin: germline.

Blueprint Genetics
Classification: Likely benign. Last evaluated: 2024-07-10. Review status: criteria provided, single submitter. Criteria: ACMG Guidelines, 2015. Collection method: clinical testing. Allele origin: germline.

Breakthrough Genomics
Classification: Likely benign. Review status: criteria provided, single submitter. Criteria: ACMG Guidelines, 2015. Collection method: not provided. Allele origin: germline. Inheritance: Autosomal recessive inheritance. Affected: yes.

PreventionGenetics, part of Exact Sciences
Classification: Likely benign for TRIOBP-related condition. Last evaluated: 2023-12-01. Review status: no assertion criteria provided. Collection method: clinical testing. Allele origin: germline. Not counted in ClinVar's aggregate classification.
Comment: This variant is classified as likely benign based on ACMG/AMP sequence variant interpretation guidelines (Richards et al. 2015 PMID: 25741868, with internal and published modifications).